The following is an entry in ClinVar:

ClinVar aggregate classification (germline): Likely benign (1 of 4 stars; one submission).

Allele frequency attached by ClinVar (database versions not stated): ExAC 0.00001; TOPMed 0.00001.
gnomAD v4.1: 18 of 1,613,872 alleles (0.0011%); highest among the groups gnomAD compares: Non-Finnish European, 0.0014%; no homozygotes.

Submission:

CeGaT Center for Human Genetics Tuebingen
Classification: Likely benign. Last evaluated: 2024-03-01. Review status: criteria provided, single submitter. Criteria: CeGaT Center For Human Genetics Tuebingen Variant Classification Criteria Version 2. Collection method: clinical testing. Allele origin: germline. Affected: yes. Observed: 1 variant allele.
Comment: TANC2: BP4

NM_001394998.1(TANC2):c.6051C>T (p.Asp2017=)

Gene: TANC2 (tetratricopeptide repeat, ankyrin repeat and coiled-coil containing 2; plus strand). Cytogenetic location: 17q23.3.
Variant type: single nucleotide variant.
Coding change: c.6051C>T on transcript NM_001394998.1 (MANE Select); coding-DNA position 6051, C replaced by T.
Protein change: p.Asp2017=; no amino-acid change (aspartic acid 2017 retained).
Molecular consequence: synonymous variant.
Genome position (GRCh38, 1-based): chr17:63,421,781, C>T. VCF-style: chr17-63421781-C-T. GRCh37 (hg19) VCF-style: chr17-61499142-C-T.
Other names: c.5829C>T, p.Asp1943= (NM_001411076.1); c.5799C>T, p.Asp1933= (NM_025185.4).
Identifiers: ClinVar variation 3067492 (VCV003067492.21), dbSNP rs761109189, ClinGen allele CA8698555.